The following is an entry in ClinVar:

ClinVar aggregate classification (germline): Uncertain significance. Review status: criteria provided, multiple submitters, no conflicts (2 of 4 stars). 2 submissions from 2 submitters: Uncertain significance (2). Last evaluated 2023-12-12.

Conditions:
Nemaline myopathy 2 (NEM2). Also called: Nemaline myopathy 2, autosomal recessive. Identifiers: MedGen C1850569, MONDO:0009725, OMIM 256030.

Allele frequency attached by ClinVar (database versions not stated): gnomAD exomes below 0.00001; gnomAD 0.00001; TOPMed 0.00004.
gnomAD v4.1: 3 of 1,601,334 alleles (0.00019%); highest among the groups gnomAD compares: African/African-American, 0.004%; no homozygotes.

Submissions (2):

Women's Health and Genetics/Laboratory Corporation of America, LabCorp
Classification: Uncertain significance. Last evaluated: 2023-12-12. Review status: criteria provided, single submitter. Criteria: LabCorp Variant Classification Summary - May 2015. Collection method: clinical testing. Allele origin: germline.

Labcorp Genetics (formerly Invitae), Labcorp
Classification: Uncertain significance for Nemaline myopathy 2. Last evaluated: 2021-12-28. Review status: criteria provided, single submitter. Criteria: Invitae Variant Classification Sherloc (09022015). Collection method: clinical testing. Allele origin: germline.
Comment: In summary, the available evidence is currently insufficient to determine the role of this variant in disease. Therefore, it has been classified as a Variant of Uncertain Significance. This sequence change falls in intron 3 of the NEB gene. It does not directly change the encoded amino acid sequence of the NEB protein. It affects a nucleotide within the consensus splice site. This variant is not present in population databases (gnomAD no frequency). This variant has not been reported in the literature in individuals affected with NEB-related conditions. Variants that disrupt the consensus splice site are a relatively common cause of aberrant splicing (PMID: 17576681, 9536098). Algorithms developed to predict the effect of sequence changes on RNA splicing suggest that this variant may disrupt the consensus splice site.

Literature cited by the submitters: PubMed 17576681 (cited by Labcorp Genetics (formerly Invitae), Labcorp); PubMed 9536098 (cited by Labcorp Genetics (formerly Invitae), Labcorp).

NM_001164508.2(NEB):c.36+4A>G

Gene: NEB (nebulin; minus strand). Cytogenetic location: 2q23.3.
Variant type: single nucleotide variant.
Coding change: c.36+4A>G on transcript NM_001164508.2 (MANE Select); 4 bases into the intron after coding-DNA position 36, A replaced by G.
Molecular consequence: intron variant.
Genome position (GRCh38, 1-based): chr2:151,733,117, T>C on the plus strand (A>G on the coding strand, the complement: NEB is on the minus strand). VCF-style: chr2-151733117-T-C. GRCh37 (hg19) VCF-style: chr2-152589631-T-C.
Other names: c.36+4A>G (NM_004543.5, NM_001164507.2, NM_001271208.2).
Identifiers: ClinVar variation 2174082 (VCV002174082.5), dbSNP rs1477166999, ClinGen allele CA758897852.